The following is an entry in ClinVar:

ClinVar aggregate classification (germline): Uncertain significance. Review status: criteria provided, multiple submitters, no conflicts (2 of 4 stars). 2 submissions from 2 submitters: Uncertain significance (2). Last evaluated 2025-10-18.

Conditions:
Inborn genetic diseases. Identifiers: MedGen C0950123, MeSH D030342.

Allele frequency attached by ClinVar (database versions not stated): gnomAD exomes 0.00003; TOPMed 0.00002; ExAC 0.00003; gnomAD 0.00001.
gnomAD v4.1: 51 of 1,606,978 alleles (0.0032%); highest among the groups gnomAD compares: Non-Finnish European, 0.0041%; no homozygotes.

Submissions (2):

Ambry Genetics
Classification: Uncertain significance for Inborn genetic diseases. Last evaluated: 2025-10-18. Review status: criteria provided, single submitter. Criteria: Ambry Variant Classification Scheme 2023. Collection method: clinical testing. Allele origin: germline.

Labcorp Genetics (formerly Invitae), Labcorp
Classification: Uncertain significance. Last evaluated: 2022-06-04. Review status: criteria provided, single submitter. Criteria: Invitae Variant Classification Sherloc (09022015). Collection method: clinical testing. Allele origin: germline.
Comment: This sequence change replaces serine, which is neutral and polar, with glycine, which is neutral and non-polar, at codon 213 of the XYLT2 protein (p.Ser213Gly). This variant is present in population databases (rs745332027, gnomAD 0.003%). This variant has not been reported in the literature in individuals affected with XYLT2-related conditions. Algorithms developed to predict the effect of missense changes on protein structure and function (SIFT, PolyPhen-2, Align-GVGD) all suggest that this variant is likely to be tolerated. In summary, the available evidence is currently insufficient to determine the role of this variant in disease. Therefore, it has been classified as a Variant of Uncertain Significance.

NM_022167.4(XYLT2):c.637A>G (p.Ser213Gly)

Gene: XYLT2 (xylosyltransferase 2; plus strand). Cytogenetic location: 17q21.33.
Variant type: single nucleotide variant.
Coding change: c.637A>G on transcript NM_022167.4 (MANE Select); coding-DNA position 637, A replaced by G.
Protein change: p.Ser213Gly; replaces serine 213 with glycine.
Molecular consequence: missense variant.
Genome position (GRCh38, 1-based): chr17:50,354,416, A>G. VCF-style: chr17-50354416-A-G. GRCh37 (hg19) VCF-style: chr17-48431777-A-G.
Other names: short protein forms S213G.
Identifiers: ClinVar variation 1913273 (VCV001913273.3), dbSNP rs745332027, ClinGen allele CA8646228.